The following is an entry in ClinVar:

NM_004738.5(VAPB):c.86A>G (p.Asn29Ser)

Gene: VAPB (VAMP associated protein B and C; plus strand). Cytogenetic location: 20q13.32.
Variant type: single nucleotide variant.
Coding change: c.86A>G on transcript NM_004738.5 (MANE Select); coding-DNA position 86, A replaced by G.
Protein change: p.Asn29Ser; replaces asparagine 29 with serine.
Molecular consequence: missense variant. On other transcripts: non-coding transcript variant (1).
Genome position (GRCh38, 1-based): chr20:58,418,238, A>G. VCF-style: chr20-58418238-A-G. GRCh37 (hg19) VCF-style: chr20-56993294-A-G.
Other names: c.86A>G, p.Asn29Ser (NM_001195677.2); short protein forms N29S.
Identifiers: ClinVar variation 1525281 (VCV001525281.10), dbSNP rs1293144080, ClinGen allele CA409442322.

ClinVar aggregate classification (germline): Uncertain significance (1 of 4 stars; one submission).

Conditions:
Amyotrophic lateral sclerosis type 8 (ALS8). Identifiers: Orphanet 803, MedGen C1837728, MONDO:0012077, OMIM 608627.
Adult-onset proximal spinal muscular atrophy, autosomal dominant. Also called: Spinal muscular atrophy, late-onset, finkel type; FINKEL LATE-ADULT TYPE SMA. Identifiers: Orphanet 209335, MedGen C1854058, MONDO:0008453, OMIM 182980.

Allele frequency attached by ClinVar (database versions not stated): gnomAD exomes 0.00001.
gnomAD v4.1: 19 of 1,614,104 alleles (0.0012%); highest among the groups gnomAD compares: Non-Finnish European, 0.0015%; no homozygotes.

Submission:

Labcorp Genetics (formerly Invitae), Labcorp
Classification: Uncertain significance for Adult-onset proximal spinal muscular atrophy, autosomal dominant; Amyotrophic lateral sclerosis type 8. Last evaluated: 2024-07-04. Review status: criteria provided, single submitter. Criteria: Invitae Variant Classification Sherloc (09022015). Collection method: clinical testing. Allele origin: germline.
Comment: This sequence change replaces asparagine, which is neutral and polar, with serine, which is neutral and polar, at codon 29 of the VAPB protein (p.Asn29Ser). This variant is not present in population databases (gnomAD no frequency). This variant has not been reported in the literature in individuals affected with VAPB-related conditions. ClinVar contains an entry for this variant (Variation ID: 1525281). Advanced modeling of protein sequence and biophysical properties (such as structural, functional, and spatial information, amino acid conservation, physicochemical variation, residue mobility, and thermodynamic stability) performed at Invitae indicates that this missense variant is not expected to disrupt VAPB protein function with a negative predictive value of 80%. In summary, the available evidence is currently insufficient to determine the role of this variant in disease. Therefore, it has been classified as a Variant of Uncertain Significance.